The following is an entry in ClinVar:

ClinVar aggregate classification (germline): Pathogenic (0 of 4 stars; one submission).

Conditions:
Wiskott-Aldrich syndrome (WAS). Also called: ALDRICH SYNDROME; IMMUNODEFICIENCY 2; WISKOTT-ALDRICH SYNDROME 1; Wiskott-aldrich syndrome, somatic. Identifiers: Orphanet 906, MedGen C0043194, MONDO:0010518, OMIM 301000.

Submission:

Dr. Faghihi's Medical Genetic Center
Classification: Pathogenic for Wiskott-Aldrich syndrome. Review status: no assertion criteria provided. Collection method: research. Allele origin: inherited. Inheritance: X-linked recessive inheritance. Affected: yes. Observed: 1 variant allele, 1 hemizygote.
Comment: This identified mutation was not reported previously and, therefore, is categorized as the variant of unknown significance (VUS). However, due to lack of any other mutation that can explain the phenotype in this patient, almost complete phenotypic correlation between the disease and identified mutation, and disrupting nature of splice-site mutations, we believe this is a pathogenic mutation. Additionally, as the mutation has no reported frequency in our database (Bayangene) or any other publicly available variation databases, it was considered as a novel mutation. Following evidences can confirm that this mutation is led to WAS: 1- WES detected only this mutation to be linked with observed clinical and laboratory findings suggestive of WAS in the proband. 3- Mutation is located within the donor splice site which is expected to be highly damaging since it affects splice site. 4- Using HSF tool, it predicted that the wild type (WT) splice site will be broken and alteration of the WT donor site, most probably affects splicing. 5- Exon 3 is within WH1 domain which is important for binding to a Pro-rich ligand so any exclusion of this exon can be very damaging and most probably cause the sever form of the disease.

NM_000377.3(WAS):c.360+1G>C

Gene: WAS (WASP actin nucleation promoting factor; plus strand). Cytogenetic location: Xp11.23.
Variant type: single nucleotide variant.
Coding change: c.360+1G>C on transcript NM_000377.3 (MANE Select); the canonical splice donor site of the intron after coding-DNA position 360, G replaced by C.
Molecular consequence: splice donor variant.
Genome position (GRCh38, 1-based): chrX:48,685,634, G>C. VCF-style: chrX-48685634-G-C. GRCh37 (hg19) VCF-style: chrX-48544023-G-C.
Identifiers: ClinVar variation 548704 (VCV000548704.4), dbSNP rs1057520700, ClinGen allele CA412867292.